The following is an entry in ClinVar:

ClinVar aggregate classification (germline): Pathogenic (1 of 4 stars; one submission).

Conditions:
PIK3R1-related disorder. Also called: PIK3R1-related condition.

Submission:

PreventionGenetics, part of Exact Sciences
Classification: Pathogenic for PIK3R1-related condition. Last evaluated: 2025-02-05. Review status: criteria provided, single submitter. Criteria: ACMG Guidelines, 2015. Collection method: clinical testing. Allele origin: germline.
Comment: The PIK3R1 c.1746-2A>C variant is predicted to disrupt the AG splice acceptor site and interfere with normal splicing. This variant has been reported as having arisen de novo in an individual with a developmental disorder (Supplemental Table 3, Zhou et al. 2022. PubMed ID: 35982159). This variant has not been reported in a large population database (gnomAD), indicating it is rare. RNA sequencing data suggests this variant weakens the canonical splice acceptor site, resulting in a frameshift and premature protein truncation (Internal Data, PreventionGenetics). Variants that disrupt the consensus splice acceptor site in PIK3R1 are expected to be pathogenic. This variant is interpreted as pathogenic.

NM_181523.3(PIK3R1):c.1746-2A>C

Gene: PIK3R1 (phosphoinositide-3-kinase regulatory subunit 1; plus strand). Cytogenetic location: 5q13.1.
Variant type: single nucleotide variant.
Coding change: c.1746-2A>C on transcript NM_181523.3 (MANE Select); the canonical splice acceptor site of the intron before coding-DNA position 1746, A replaced by C.
Molecular consequence: splice acceptor variant.
Genome position (GRCh38, 1-based): chr5:68,295,418, A>C. VCF-style: chr5-68295418-A-C. GRCh37 (hg19) VCF-style: chr5-67591246-A-C.
Other names: c.846-2A>C (NM_181524.2); c.936-2A>C (NM_181504.4); c.657-2A>C (NM_001242466.2).
Identifiers: ClinVar variation 2635356 (VCV002635356.2), dbSNP rs2112278418, ClinGen allele CA359883174.